The following is an entry in ClinVar:

NM_000095.3(COMP):c.468G>T (p.Pro156=)

Gene: COMP (cartilage oligomeric matrix protein; minus strand). Cytogenetic location: 19p13.11.
Variant type: single nucleotide variant.
Coding change: c.468G>T on transcript NM_000095.3 (MANE Select); coding-DNA position 468, G replaced by T.
Protein change: p.Pro156=; no amino-acid change (proline 156 retained).
Molecular consequence: synonymous variant.
Genome position (GRCh38, 1-based): chr19:18,789,220, C>A on the plus strand (G>T on the coding strand, the complement: COMP is on the minus strand). VCF-style: chr19-18789220-C-A. GRCh37 (hg19) VCF-style: chr19-18900029-C-A.
Identifiers: ClinVar variation 328622 (VCV000328622.21), dbSNP rs202241721, ClinGen allele CA9316715.

ClinVar aggregate classification (germline): Benign/Likely benign. Review status: criteria provided, multiple submitters, no conflicts (2 of 4 stars). 7 submissions from 6 submitters: Benign (3); Likely benign (2). 2 of the submissions do not count toward it. Last evaluated 2026-01-04.

Conditions:
Multiple epiphyseal dysplasia type 1. Also called: COMP-Related Multiple Epiphyseal Dysplasia. Identifiers: Orphanet 93308, MedGen C1838280, MONDO:0007561, OMIM 132400.
Pseudoachondroplastic spondyloepiphyseal dysplasia syndrome (PSACH). Also called: PSEUDOACHONDROPLASTIC DYSPLASIA; COMP-Related Pseudoachondroplasia; Pseudoachondroplasia. Identifiers: Orphanet 750, MedGen C0410538, MONDO:0008322, OMIM 177170.

Allele frequency attached by ClinVar (database versions not stated): gnomAD 0.00021 and 0.00017; TOPMed 0.00031; 1000 Genomes Project 0.00080; 1000 Genomes Project 30x 0.00109.
gnomAD v4.1: 345 of 1,537,218 alleles (0.022%); highest among the groups gnomAD compares: East Asian, 0.49%; 5 homozygotes.

Submissions (7):

Labcorp Genetics (formerly Invitae), Labcorp
Classification: Benign. Last evaluated: 2026-01-04. Review status: criteria provided, single submitter. Criteria: Invitae Variant Classification Sherloc (09022015). Collection method: clinical testing. Allele origin: germline.

Blueprint Genetics
Classification: Likely benign. Last evaluated: 2024-11-27. Review status: criteria provided, single submitter. Criteria: ACMG Guidelines, 2015. Collection method: clinical testing. Allele origin: germline.

GeneDx
Classification: Likely benign. Last evaluated: 2020-10-27. Review status: criteria provided, single submitter. Criteria: GeneDx Variant Classification Process June 2021. Collection method: clinical testing. Allele origin: germline. Affected: yes.

Illumina Laboratory Services, Illumina
Classification: Benign for Pseudoachondroplastic spondyloepiphyseal dysplasia syndrome. Last evaluated: 2018-01-12. Review status: criteria provided, single submitter. Criteria: ICSL Variant Classification Criteria 13 December 2019. Collection method: clinical testing. Allele origin: germline.
Comment: This variant was observed in the ICSL laboratory as part of a predisposition screen in an ostensibly healthy population. It had not been previously curated by ICSL or reported in the Human Gene Mutation Database (HGMD: prior to June 1st, 2018), and was therefore a candidate for classification through an automated scoring system. Utilizing variant allele frequency, disease prevalence and penetrance estimates, and inheritance mode, an automated score was calculated to assess if this variant is too frequent to cause the disease. Based on the score and internal cut-off values, a variant classified as benign is not then subjected to further curation. The score for this variant resulted in a classification of benign for this disease.

Illumina Laboratory Services, Illumina
Classification: Benign for Multiple epiphyseal dysplasia type 1. Last evaluated: 2018-01-12. Review status: criteria provided, single submitter. Criteria: ICSL Variant Classification Criteria 13 December 2019. Collection method: clinical testing. Allele origin: germline.
Comment: the same text as in the submission from Illumina Laboratory Services, Illumina above.

Clinical Genetics DNA and cytogenetics Diagnostics Lab, Erasmus MC, Erasmus Medical Center
Classification: Likely benign. Review status: no assertion criteria provided. Collection method: clinical testing. Allele origin: germline. Affected: yes. Study: VKGL Data-share Consensus. Not counted in ClinVar's aggregate classification.

Laboratory of Diagnostic Genome Analysis, Leiden University Medical Center (LUMC)
Classification: Likely benign. Review status: no assertion criteria provided. Collection method: clinical testing. Allele origin: germline. Affected: yes. Study: VKGL Data-share Consensus. Not counted in ClinVar's aggregate classification.